The following is an entry in ClinVar:

ClinVar aggregate classification (germline): Uncertain significance (1 of 4 stars; one submission).

Conditions:
Early Myoclonic Encephalopathy. Identifiers: MedGen C0270855.

Allele frequency attached by ClinVar (database versions not stated): gnomAD exomes 0.00004 and 0.00002; ExAC 0.00005; TOPMed 0.00002; gnomAD 0.00003.
gnomAD v4.1: 29 of 1,614,234 alleles (0.0018%); highest among the groups gnomAD compares: Admixed American, 0.01%; no homozygotes.

Submission:

Labcorp Genetics (formerly Invitae), Labcorp
Classification: Uncertain significance for Early Myoclonic Encephalopathy. Last evaluated: 2023-12-07. Review status: criteria provided, single submitter. Criteria: Invitae Variant Classification Sherloc (09022015). Collection method: clinical testing. Allele origin: germline.
Comment: This sequence change replaces isoleucine, which is neutral and non-polar, with threonine, which is neutral and polar, at codon 720 of the JMJD1C protein (p.Ile720Thr). This variant is present in population databases (rs751544950, gnomAD 0.02%). This variant has not been reported in the literature in individuals affected with JMJD1C-related conditions. ClinVar contains an entry for this variant (Variation ID: 1054413). Advanced modeling of protein sequence and biophysical properties (such as structural, functional, and spatial information, amino acid conservation, physicochemical variation, residue mobility, and thermodynamic stability) performed at Invitae indicates that this missense variant is expected to disrupt JMJD1C protein function with a positive predictive value of 80%. In summary, the available evidence is currently insufficient to determine the role of this variant in disease. Therefore, it has been classified as a Variant of Uncertain Significance.

NM_032776.3(JMJD1C):c.2159T>C (p.Ile720Thr)

Gene: JMJD1C (jumonji domain containing 1C; minus strand). Cytogenetic location: 10q21.3.
Variant type: single nucleotide variant.
Coding change: c.2159T>C on transcript NM_032776.3 (MANE Select); coding-DNA position 2159, T replaced by C.
Protein change: p.Ile720Thr; replaces isoleucine 720 with threonine.
Molecular consequence: missense variant. On other transcripts: non-coding transcript variant (1).
Genome position (GRCh38, 1-based): chr10:63,214,008, A>G on the plus strand (T>C on the coding strand, the complement: JMJD1C is on the minus strand). VCF-style: chr10-63214008-A-G. GRCh37 (hg19) VCF-style: chr10-64973768-A-G.
Other names: c.1613T>C, p.Ile538Thr (NM_001282948.2, NM_001318154.2); c.1295T>C, p.Ile432Thr (NM_001318153.2); c.2045T>C, p.Ile682Thr (NM_001322252.2); c.1502T>C, p.Ile501Thr (NM_001322254.2, NM_001322258.2); short protein forms I432T, I501T, I538T, I682T, I720T.
Identifiers: ClinVar variation 1054413 (VCV001054413.7), dbSNP rs751544950, ClinGen allele CA5518676.
Genomic context (GRCh38, chr10:63,214,008, plus strand): 5'-AGAGGAAAAGGATGCTGGCTTAGGAAAGGTGAAATATGATTAGCTCCTGTTTCTGACCCA[A>G]TAAGTGCAGGATCTCTGTAAACTGTAAAATGCTCATTTTTATCAATGATAAGAGGACTCT-3'
Protein context (NP_116165.1, residues 710-730): HFTVYRDPAL[Ile720Thr]GSETGANHIS